The following is an entry in ClinVar:

ClinVar aggregate classification (germline): Uncertain significance. Review status: criteria provided, multiple submitters, no conflicts (2 of 4 stars). 2 submissions from 2 submitters: Uncertain significance (2). Last evaluated 2022-08-09.

Conditions:
Inborn genetic diseases. Identifiers: MedGen C0950123, MeSH D030342.
Netherton syndrome (NETH). Also called: ERYTHRODERMA, ICHTHYOSIFORM, WITH HYPOTRICHOSIS AND HYPER-IgE; COMEL-NETHERTON SYNDROME; NETHERTON DISEASE. Identifiers: Orphanet 634, MedGen C5574950, MONDO:0009735, OMIM 256500.

Allele frequency attached by ClinVar (database versions not stated): gnomAD exomes below 0.00001 and 0.00001; ExAC 0.00001; gnomAD 0.00001.
gnomAD v4.1: 4 of 1,612,814 alleles (0.00025%); highest among the groups gnomAD compares: East Asian, 0.0067%; no homozygotes.

Submissions (2):

Labcorp Genetics (formerly Invitae), Labcorp
Classification: Uncertain significance for Ichthyosis linearis circumflexa. Last evaluated: 2022-08-09. Review status: criteria provided, single submitter. Criteria: Invitae Variant Classification Sherloc (09022015). Collection method: clinical testing. Allele origin: germline.
Comment: This sequence change replaces glutamic acid, which is acidic and polar, with glycine, which is neutral and non-polar, at codon 962 of the SPINK5 protein (p.Glu962Gly). This variant is present in population databases (rs772801284, gnomAD 0.02%). This variant has not been reported in the literature in individuals affected with SPINK5-related conditions. ClinVar contains an entry for this variant (Variation ID: 1410494). Algorithms developed to predict the effect of missense changes on protein structure and function are either unavailable or do not agree on the potential impact of this missense change (SIFT: "Deleterious"; PolyPhen-2: "Possibly Damaging"; Align-GVGD: "Class C0"). In summary, the available evidence is currently insufficient to determine the role of this variant in disease. Therefore, it has been classified as a Variant of Uncertain Significance.

Ambry Genetics
Classification: Uncertain significance for Inborn genetic diseases. Last evaluated: 2022-06-10. Review status: criteria provided, single submitter. Criteria: Ambry Variant Classification Scheme 2023. Collection method: clinical testing. Allele origin: germline.

NM_006846.4(SPINK5):c.2885A>G (p.Glu962Gly)

Gene: SPINK5 (serine peptidase inhibitor Kazal type 5; plus strand). Cytogenetic location: 5q32.
Variant type: single nucleotide variant.
Coding change: c.2885A>G on transcript NM_006846.4 (MANE Select); coding-DNA position 2885, A replaced by G.
Protein change: p.Glu962Gly; replaces glutamic acid 962 with glycine.
Molecular consequence: missense variant.
Genome position (GRCh38, 1-based): chr5:148,127,000, A>G. VCF-style: chr5-148127000-A-G. GRCh37 (hg19) VCF-style: chr5-147506563-A-G.
Other names: c.2885A>G (NM_006846.3); c.2975A>G, p.Glu992Gly (NM_001127698.2); short protein forms E962G, E992G.
Identifiers: ClinVar variation 1410494 (VCV001410494.4), dbSNP rs772801284, ClinGen allele CA3496180.